The following is an entry in ClinVar:

ClinVar aggregate classification (germline): Uncertain significance (1 of 4 stars; one submission).

Submission:

Ambry Genetics
Classification: Uncertain significance. Last evaluated: 2025-11-07. Review status: criteria provided, single submitter. Criteria: Ambry Variant Classification Scheme 2023. Collection method: clinical testing. Allele origin: germline.
Comment: The p.H491L variant (also known as c.1472A>T), located in coding exon 10 of the CTNNA3 gene, results from an A to T substitution at nucleotide position 1472. The histidine at codon 491 is replaced by leucine, an amino acid with similar properties. This amino acid position is conserved. In addition, this alteration is predicted to be tolerated by in silico analysis. Based on the available evidence, the clinical significance of this variant remains unclear.

NM_013266.4(CTNNA3):c.1472A>T (p.His491Leu)

Gene: CTNNA3 (catenin alpha 3; minus strand). Cytogenetic location: 10q21.3.
Variant type: single nucleotide variant.
Coding change: c.1472A>T on transcript NM_013266.4 (MANE Select); coding-DNA position 1472, A replaced by T.
Protein change: p.His491Leu; replaces histidine 491 with leucine.
Molecular consequence: missense variant.
Genome position (GRCh38, 1-based): chr10:66,520,676, T>A on the plus strand (A>T on the coding strand, the complement: CTNNA3 is on the minus strand). VCF-style: chr10-66520676-T-A. GRCh37 (hg19) VCF-style: chr10-68280434-T-A.
Other names: c.1472A>T, p.His491Leu (NM_001127384.3); short protein forms H491L.
Identifiers: ClinVar variation 4657493 (VCV004657493.1).